The following is an entry in ClinVar:

ClinVar aggregate classification (germline): Uncertain significance (0 of 4 stars; one submission).

Submission:

Diagnostics Centre, Carl Von Ossietzky University Oldenburg
Classification: Uncertain significance. Last evaluated: 2025-07-01. Review status: no assertion criteria provided. Collection method: clinical testing. Allele origin: germline. Affected: yes. Observed: 1 variant allele.
Comment: This heterozygous duplication, classified as a Variant of Uncertain Significance (VUS), spans approximately 9.8 Mb and affects 33 genes on chromosome 11. The exact breakpoints cannot be determined with certainty from the available data. The duplication affects multiple genes (33). To our knowledge, none of the affected genes are known to be triplosensitive. Autosomal dominant disorders have been described in association with TYR (oculocutaneous albinism), FZD4 (exudative retinopathy), and EED (Cohen–Gibson syndrome). The latter shows some overlap with the symptoms reported for the patient. Cohen–Gibson syndrome is an overgrowth syndrome associated with facial and cranial abnormalities, abnormalities of the joints, limbs, and skeletal system, as well as neurological manifestations including psychomotor developmental delay, speech delay, and intellectual disability. The syndrome is present from birth, although the phenotype can vary considerably in severity.As part of the trio analysis, this genetic alteration was shown to have occurred de novo (i.e., it was not inherited from either parent). To our knowledge, no duplications of a comparable position have been reported in clinical or population databases, including ClinVar, DECIPHER, gnomAD, or DGV. Based on the currently available evidence, this alteration is classified as a Variant of Uncertain Significance (VUS).

GRCh38/hg38 11q14.1-14.3(chr11:80241226-89744345)x3

Genes: ANKRD42 (ankyrin repeat domain 42; plus strand), ANKRD42-DT (ANKRD42 divergent transcript; minus strand), CCDC81 (coiled-coil domain containing 81; plus strand), CCDC83 (coiled-coil domain containing 83; plus strand), CCDC89 (coiled-coil domain containing 89; minus strand) and 169 more. Cytogenetic location: 11q14.1-14.3.
Variant type: copy number gain.
Change: copy number 3 (three copies instead of two) of chr11:80,241,226-89,744,345 (9.50 Mb, GRCh38 coordinates, 1-based), cytogenetic band 11q14.1-14.3.
Identifiers: ClinVar variation 4886796 (VCV004886796.1).